The following is an entry in ClinVar:

ClinVar aggregate classification (germline): Established risk allele; association; protective. Review status: no assertion criteria provided (0 of 4 stars). 5 submissions from 3 submitters: Established risk allele (1). 2 of the submissions do not count toward it. Last evaluated 2017-12-11.

Conditions:
Resistance to Plasmodium vivax infection. Also called: Plasmodium vivax, resistance to. Identifiers: MedGen C1970105.
White blood cell count quantitative trait locus 1 (WBCQ1). Identifiers: MedGen C2676078, OMIM 611862.
DUFFY BLOOD GROUP SYSTEM, FY(a-b-) PHENOTYPE. Also called: DUFFY NULL; Fy(a-b-).

Allele frequency attached by ClinVar (database versions not stated): gnomAD exomes 0.02552; TOPMed 0.26005; 1000 Genomes Project 0.26637; gnomAD 0.24068 and 0.25719; ESP Exome Variant Server 0.24945; 1000 Genomes Project 30x 0.28154.

Submissions (5):

OMIM
Classification: protective for PLASMODIUM VIVAX, RESISTANCE TO. Last evaluated: 2017-12-11. Review status: no assertion criteria provided. Collection method: literature only. Allele origin: germline.

OMIM
Classification: association for WHITE BLOOD CELL COUNT QUANTITATIVE TRAIT LOCUS 1. Last evaluated: 2010-01-01. Review status: no assertion criteria provided. Collection method: literature only. Allele origin: germline.

Gene Mapping Laboratory, Hacettepe University
Classification: Established risk allele for White blood cell count quantitative trait locus 1. Review status: no assertion criteria provided. Collection method: research. Allele origin: inherited. Inheritance: Autosomal recessive inheritance. Affected: yes. Observed: 1 variant allele, 1 homozygote.
Comment: This homozygous variant disrupts erythroid ACKR1 expression, resulting in the Duffy-null phenotype and reduced circulating neutrophil counts. Its high population frequency and occurrence in otherwise healthy individuals support its interpretation as a common genetic variant that results in moderate neutropenia in the individual reported.

Genomic Medicine Center of Excellence, King Faisal Specialist Hospital and Research Centre
Classification: Pathogenic for Resistance to Plasmodium vivax infection. Last evaluated: 2025-07-30. Review status: flagged submission. Criteria: ACMG Guidelines, 2015. Collection method: clinical testing. Allele origin: germline. Not counted in ClinVar's aggregate classification.
ClinVar note: Notes: This phenotype is not a monogenic disease. The terms P/LP are not appropriate.
ClinVar note: Reason: Other

OMIM
Classification: Pathogenic for DUFFY BLOOD GROUP SYSTEM, FY(a-b-) PHENOTYPE. Last evaluated: 2010-01-01. Review status: flagged submission. Collection method: literature only. Allele origin: germline. Not counted in ClinVar's aggregate classification.
ClinVar note: Notes: This phenotype is not a monogenic disease. The terms P/LP are not appropriate.
ClinVar note: Reason: Other

Literature cited by the submitters: PubMed 7663520 (cited by OMIM); PubMed 8651934 (cited by OMIM); PubMed 10791881 (cited by OMIM); PubMed 8547665 (cited by OMIM); PubMed 20932074 (cited by OMIM); PubMed 10570183 (cited by OMIM); PubMed 17304246 (cited by OMIM); PubMed 18621010 (cited by OMIM); PubMed 19620399 (cited by OMIM); PubMed 18179887 (cited by OMIM); PubMed 19180233 (cited by OMIM).

NM_002036.3(ACKR1):c.-67T>C

Gene: ACKR1 (atypical chemokine receptor 1 (Duffy blood group); plus strand). Cytogenetic location: 1q23.2.
Variant type: single nucleotide variant.
Coding change: c.-67T>C on transcript NM_002036.3; 67 bases upstream of the start codon, T replaced by C.
Molecular consequence: 5 prime UTR variant (on NM_002036.4).
Genome position (GRCh38, 1-based): chr1:159,204,893, T>C. VCF-style: chr1-159204893-T-C. GRCh37 (hg19) VCF-style: chr1-159174683-T-C.
Other names: -33T-C; -67T-C, PROMOTER (rs2814778); c.-111T>C (NM_001122951.3); c.-67T>C (NM_002036.4).
Identifiers: ClinVar variation 18395 (VCV000018395.4), dbSNP rs2814778, ClinGen allele CA113788.